The following is an entry in ClinVar:

NM_000744.7(CHRNA4):c.909C>G (p.Ile303Met)

Gene: CHRNA4 (cholinergic receptor nicotinic alpha 4 subunit; minus strand). Cytogenetic location: 20q13.33.
Variant type: single nucleotide variant.
Coding change: c.909C>G on transcript NM_000744.7 (MANE Select); coding-DNA position 909, C replaced by G.
Protein change: p.Ile303Met; replaces isoleucine 303 with methionine.
Molecular consequence: missense variant. On other transcripts: non-coding transcript variant (1).
Genome position (GRCh38, 1-based): chr20:63,350,502, G>C on the plus strand (C>G on the coding strand, the complement: CHRNA4 is on the minus strand). VCF-style: chr20-63350502-G-C. GRCh37 (hg19) VCF-style: chr20-61981854-G-C.
Other names: c.381C>G, p.Ile127Met (NM_001256573.2); short protein forms I303M, I127M.
Identifiers: ClinVar variation 3690090 (VCV003690090.2).

ClinVar aggregate classification (germline): Uncertain significance (1 of 4 stars; one submission).

Conditions:
Familial sleep-related hypermotor epilepsy. Also called: Autosomal Dominant Sleep-Related Hypermotor (Hyperkinetic) Epilepsy. Identifiers: Orphanet 98784, MedGen C3696898, MONDO:0000030.

gnomAD v4.1: 9 of 1,613,868 alleles (0.00056%); highest among the groups gnomAD compares: Non-Finnish European, 0.00076%; no homozygotes.

Submission:

Labcorp Genetics (formerly Invitae), Labcorp
Classification: Uncertain significance. Last evaluated: 2025-01-21. Review status: criteria provided, single submitter. Criteria: Invitae Variant Classification Sherloc (09022015). Collection method: clinical testing. Allele origin: germline.
Comment: This sequence change replaces isoleucine, which is neutral and non-polar, with methionine, which is neutral and non-polar, at codon 303 of the CHRNA4 protein (p.Ile303Met). This variant is present in population databases (no rsID available, gnomAD 0.002%). This variant has not been reported in the literature in individuals affected with CHRNA4-related conditions. Invitae Evidence Modeling of protein sequence and biophysical properties (such as structural, functional, and spatial information, amino acid conservation, physicochemical variation, residue mobility, and thermodynamic stability) indicates that this missense variant is expected to disrupt CHRNA4 protein function with a positive predictive value of 80%. In summary, the available evidence is currently insufficient to determine the role of this variant in disease. Therefore, it has been classified as a Variant of Uncertain Significance.